The following is an entry in ClinVar:

ClinVar aggregate classification (germline): Uncertain significance (1 of 4 stars; one submission).

Allele frequency attached by ClinVar (database versions not stated): TOPMed below 0.00001; ExAC 0.00002; gnomAD exomes 0.00002.
gnomAD v4.1: 35 of 1,613,824 alleles (0.0022%); highest among the groups gnomAD compares: Non-Finnish European, 0.0029%; no homozygotes.

Submission:

Labcorp Genetics (formerly Invitae), Labcorp
Classification: Uncertain significance. Last evaluated: 2022-07-30. Review status: criteria provided, single submitter. Criteria: Invitae Variant Classification Sherloc (09022015). Collection method: clinical testing. Allele origin: germline.
Comment: In summary, the available evidence is currently insufficient to determine the role of this variant in disease. Therefore, it has been classified as a Variant of Uncertain Significance. Algorithms developed to predict the effect of sequence changes on RNA splicing suggest that this variant may create or strengthen a splice site. Algorithms developed to predict the effect of missense changes on protein structure and function are either unavailable or do not agree on the potential impact of this missense change (SIFT: "Tolerated"; PolyPhen-2: "Not Available"; Align-GVGD: "Class C0"). This variant has not been reported in the literature in individuals affected with AGTR1-related conditions. This variant is present in population databases (rs762651737, gnomAD 0.004%). This sequence change replaces glycine, which is neutral and non-polar, with serine, which is neutral and polar, at codon 304 of the AGTR1 protein (p.Gly304Ser).

NM_000685.5(AGTR1):c.805G>A (p.Gly269Ser)

Gene: AGTR1 (angiotensin II receptor type 1; plus strand). Cytogenetic location: 3q24.
Variant type: single nucleotide variant.
Coding change: c.805G>A on transcript NM_000685.5 (MANE Select); coding-DNA position 805, G replaced by A.
Protein change: p.Gly269Ser; replaces glycine 269 with serine.
Molecular consequence: missense variant.
Genome position (GRCh38, 1-based): chr3:148,741,840, G>A. VCF-style: chr3-148741840-G-A. GRCh37 (hg19) VCF-style: chr3-148459627-G-A.
Other names: c.805G>A, p.Gly269Ser (NM_001382736.1, NM_001382737.1, NM_004835.5 and 3 more transcripts); short protein forms G269S.
Identifiers: ClinVar variation 2153449 (VCV002153449.4), dbSNP rs762651737, ClinGen allele CA2657390.